The following is an entry in ClinVar:

NM_138348.6(OTULIN):c.570G>T (p.Glu190Asp)

Gene: OTULIN (OTU deubiquitinase with linear linkage specificity; plus strand). Cytogenetic location: 5p15.2.
Variant type: single nucleotide variant.
Coding change: c.570G>T on transcript NM_138348.6 (MANE Select); coding-DNA position 570, G replaced by T.
Protein change: p.Glu190Asp; replaces glutamic acid 190 with aspartic acid.
Molecular consequence: missense variant.
Genome position (GRCh38, 1-based): chr5:14,687,622, G>T. VCF-style: chr5-14687622-G-T. GRCh37 (hg19) VCF-style: chr5-14687731-G-T.
Other names: short protein forms E190D.
Identifiers: ClinVar variation 1895931 (VCV001895931.5), dbSNP rs548291213, ClinGen allele CA3208640.
Genomic context (GRCh38, chr5:14,687,622, plus strand): 5'-ATGGAAACTTGGACTGAAATTTGATGGGAAGAATGAGGACCTGGTTGATAAAATTAAAGA[G>T]TCCCTTACTCTGCTGAGGAAGAAGGTTTGGAACCTGTAGTGTCCTGTCTGATAAGGGTGA-3'
Protein context (NP_612357.4, residues 180-200): KNEDLVDKIK[Glu190Asp]SLTLLRKKWA

ClinVar aggregate classification (germline): Uncertain significance (1 of 4 stars; one submission).

Allele frequency attached by ClinVar (database versions not stated): gnomAD exomes below 0.00001; TOPMed below 0.00001; ExAC 0.00001.

Submission:

Labcorp Genetics (formerly Invitae), Labcorp
Classification: Uncertain significance. Last evaluated: 2022-08-05. Review status: criteria provided, single submitter. Criteria: Invitae Variant Classification Sherloc (09022015). Collection method: clinical testing. Allele origin: germline.
Comment: This sequence change replaces glutamic acid, which is acidic and polar, with aspartic acid, which is acidic and polar, at codon 190 of the OTULIN protein (p.Glu190Asp). This variant is present in population databases (rs548291213, gnomAD 0.0009%). This variant has not been reported in the literature in individuals affected with OTULIN-related conditions. Algorithms developed to predict the effect of missense changes on protein structure and function output the following: SIFT: "Tolerated"; PolyPhen-2: "Benign"; Align-GVGD: "Class C0". The aspartic acid amino acid residue is found in multiple mammalian species, which suggests that this missense change does not adversely affect protein function. In summary, the available evidence is currently insufficient to determine the role of this variant in disease. Therefore, it has been classified as a Variant of Uncertain Significance.